The following is an entry in ClinVar:

NM_000051.4(ATM):c.8082del (p.Gly2695fs)

Genes: ATM (ATM serine/threonine kinase; plus strand), C11orf65 (chromosome 11 open reading frame 65; minus strand). Cytogenetic location: 11q22.3.
Variant type: Deletion.
Coding change: c.8082del on transcript NM_000051.4 (MANE Select); coding-DNA position 8082, one base deleted (A; older notation c.8082delA).
Protein change: p.Gly2695fs; shifts the reading frame from glycine 2695.
Molecular consequence: frameshift variant. On other transcripts: intron variant (2).
Genome position (GRCh38, 1-based): chr11:108,335,040, A deleted. VCF-style (leftmost placement, unchanged base first): chr11-108335039-GA-G. GRCh37 (hg19) VCF-style: chr11-108205766-GA-G.
Other names: c.8082del, p.Gly2695fs (NM_001351834.2); c.641-25969del (NM_001330368.2); c.*38+180del (NM_001351110.2); short protein forms G2695fs.
Identifiers: ClinVar variation 3722507 (VCV003722507.2).

ClinVar aggregate classification (germline): Pathogenic (1 of 4 stars; one submission).

Conditions:
Ataxia-telangiectasia syndrome (AT). Also called: Ataxia-telangiectasia, complementation group D; AT, COMPLEMENTATION GROUP C; ATAXIA-TELANGIECTASIA, COMPLEMENTATION GROUP A; ATAXIA-TELANGIECTASIA, FRESNO VARIANT; Ataxia-telangiectasia; Ataxia-telangiectasia, complementation group E. Identifiers: Orphanet 100, MedGen C0004135, MONDO:0008840, OMIM 208900.

Submission:

Labcorp Genetics (formerly Invitae), Labcorp
Classification: Pathogenic for Ataxia-telangiectasia syndrome. Last evaluated: 2024-10-09. Review status: criteria provided, single submitter. Criteria: Invitae Variant Classification Sherloc (09022015). Collection method: clinical testing. Allele origin: germline.
Comment: This sequence change creates a premature translational stop signal (p.Gly2695Valfs*2) in the ATM gene. It is expected to result in an absent or disrupted protein product. Loss-of-function variants in ATM are known to be pathogenic (PMID: 23807571, 25614872). This variant is not present in population databases (gnomAD no frequency). This variant has not been reported in the literature in individuals affected with ATM-related conditions. Algorithms developed to predict the effect of sequence changes on RNA splicing suggest that this variant may disrupt the consensus splice site. For these reasons, this variant has been classified as Pathogenic.

Literature cited by the submitters: PubMed 23807571; PubMed 25614872.